The following is an entry in ClinVar:

ClinVar aggregate classification (germline): Uncertain significance. Review status: criteria provided, multiple submitters, no conflicts (2 of 4 stars). 2 submissions from 2 submitters: Uncertain significance (2). Last evaluated 2025-09-01.

Conditions:
Familial cold autoinflammatory syndrome 2 (FCAS2). Identifiers: Orphanet 247868, MedGen C2673198, MONDO:0012724, OMIM 611762.
Inborn genetic diseases. Identifiers: MedGen C0950123, MeSH D030342.

Allele frequency attached by ClinVar (database versions not stated): gnomAD exomes 0.00001.

Submissions (2):

Ambry Genetics
Classification: Uncertain significance for Inborn genetic diseases. Last evaluated: 2025-09-01. Review status: criteria provided, single submitter. Criteria: Ambry Variant Classification Scheme 2023. Collection method: clinical testing. Allele origin: germline.

Labcorp Genetics (formerly Invitae), Labcorp
Classification: Uncertain significance for Familial cold autoinflammatory syndrome 2. Last evaluated: 2025-02-13. Review status: criteria provided, single submitter. Criteria: Invitae Variant Classification Sherloc (09022015). Collection method: clinical testing. Allele origin: germline.
Comment: This sequence change replaces aspartic acid, which is acidic and polar, with valine, which is neutral and non-polar, at codon 1012 of the NLRP12 protein (p.Asp1012Val). This variant is present in population databases (no rsID available, gnomAD 0.004%). This variant has not been reported in the literature in individuals affected with NLRP12-related conditions. ClinVar contains an entry for this variant (Variation ID: 1009185). Experimental studies and prediction algorithms are not available or were not evaluated, and the functional significance of this variant is currently unknown. In summary, the available evidence is currently insufficient to determine the role of this variant in disease. Therefore, it has been classified as a Variant of Uncertain Significance.

NM_144687.4(NLRP12):c.3035A>T (p.Asp1012Val)

Gene: NLRP12 (NLR family pyrin domain containing 12; minus strand). Cytogenetic location: 19q13.42.
Variant type: single nucleotide variant.
Coding change: c.3035A>T on transcript NM_144687.4 (MANE Select); coding-DNA position 3035, A replaced by T.
Protein change: p.Asp1012Val; replaces aspartic acid 1012 with valine.
Molecular consequence: missense variant.
Genome position (GRCh38, 1-based): chr19:53,795,922, T>A on the plus strand (A>T on the coding strand, the complement: NLRP12 is on the minus strand). VCF-style: chr19-53795922-T-A. GRCh37 (hg19) VCF-style: chr19-54299176-T-A.
Other names: c.3035A>T (NM_144687.2); c.3038A>T, p.Asp1013Val (NM_001277126.2); c.2864A>T, p.Asp955Val (NM_001277129.1); short protein forms D1012V, D1013V, D955V.
Identifiers: ClinVar variation 1009185 (VCV001009185.9), dbSNP rs1400666519, ClinGen allele CA407407461.